The following is an entry in ClinVar:

NM_000203.5(IDUA):c.1666G>C (p.Ala556Pro)

Gene: IDUA (alpha-L-iduronidase; plus strand). Cytogenetic location: 4p16.3.
Variant type: single nucleotide variant.
Coding change: c.1666G>C on transcript NM_000203.5 (MANE Select); coding-DNA position 1666, G replaced by C.
Protein change: p.Ala556Pro; replaces alanine 556 with proline.
Molecular consequence: missense variant. On other transcripts: non-coding transcript variant (1).
Genome position (GRCh38, 1-based): chr4:1,003,564, G>C. VCF-style: chr4-1003564-G-C. GRCh37 (hg19) VCF-style: chr4-997352-G-C.
Other names: c.1270G>C, p.Ala424Pro (NM_001363576.1); short protein forms A556P, A424P.
Identifiers: ClinVar variation 1510593 (VCV001510593.8), dbSNP rs771540729, ClinGen allele CA355965173.

ClinVar aggregate classification (germline): Uncertain significance. Review status: criteria provided, multiple submitters, no conflicts (2 of 4 stars). 2 submissions from 2 submitters: Uncertain significance (2). Last evaluated 2022-11-22.

Conditions:
Mucopolysaccharidosis type 1. Also called: Mucopolysaccharidosis Type I; IDUA deficiency; MPS I. Identifiers: Orphanet 579, MedGen C0023786, MONDO:0001586.

Submissions (2):

Labcorp Genetics (formerly Invitae), Labcorp
Classification: Uncertain significance for Mucopolysaccharidosis type 1. Last evaluated: 2022-11-22. Review status: criteria provided, single submitter. Criteria: Invitae Variant Classification Sherloc (09022015). Collection method: clinical testing. Allele origin: germline.
Comment: This variant has not been reported in the literature in individuals affected with IDUA-related conditions. This variant is not present in population databases (gnomAD no frequency). This sequence change replaces alanine, which is neutral and non-polar, with proline, which is neutral and non-polar, at codon 556 of the IDUA protein (p.Ala556Pro). ClinVar contains an entry for this variant (Variation ID: 1510593). In summary, the available evidence is currently insufficient to determine the role of this variant in disease. Therefore, it has been classified as a Variant of Uncertain Significance. Advanced modeling of protein sequence and biophysical properties (such as structural, functional, and spatial information, amino acid conservation, physicochemical variation, residue mobility, and thermodynamic stability) performed at Invitae indicates that this missense variant is not expected to disrupt IDUA protein function.

Revvity Omics, Revvity
Classification: Uncertain significance. Last evaluated: 2021-08-12. Review status: criteria provided, single submitter. Criteria: ACMG Guidelines, 2015. Collection method: clinical testing. Allele origin: germline.